The following is an entry in ClinVar:

ClinVar aggregate classification (germline): Uncertain significance (1 of 4 stars; one submission).

Conditions:
Catecholaminergic polymorphic ventricular tachycardia 1. Also called: VENTRICULAR TACHYCARDIA, CATECHOLAMINERGIC POLYMORPHIC, 1, WITH OR WITHOUT ATRIAL DYSFUNCTION AND/OR DILATED CARDIOMYOPATHY; RYR2-Related Catecholaminergic Polymorphic Ventricular Tachycardia; VENTRICULAR TACHYCARDIA, STRESS-INDUCED POLYMORPHIC 1. Identifiers: Orphanet 3286, MedGen C1631597, MONDO:0011484, OMIM 604772.

Submission:

Labcorp Genetics (formerly Invitae), Labcorp
Classification: Uncertain significance for Catecholaminergic polymorphic ventricular tachycardia 1. Last evaluated: 2022-03-16. Review status: criteria provided, single submitter. Criteria: Invitae Variant Classification Sherloc (09022015). Collection method: clinical testing. Allele origin: germline.
Comment: This variant has not been reported in the literature in individuals affected with TRDN-related conditions. This variant is not present in population databases (gnomAD no frequency). This sequence change replaces asparagine, which is neutral and polar, with threonine, which is neutral and polar, at codon 21 of the TRDN protein (p.Asn21Thr). Algorithms developed to predict the effect of missense changes on protein structure and function are either unavailable or do not agree on the potential impact of this missense change (SIFT: "Deleterious"; PolyPhen-2: "Not Available"; Align-GVGD: "Class C0"). In summary, the available evidence is currently insufficient to determine the role of this variant in disease. Therefore, it has been classified as a Variant of Uncertain Significance.

NM_006073.4(TRDN):c.62A>C (p.Asn21Thr)

Gene: TRDN (triadin; minus strand). Cytogenetic location: 6q22.31.
Variant type: single nucleotide variant.
Coding change: c.62A>C on transcript NM_006073.4 (MANE Select); coding-DNA position 62, A replaced by C.
Protein change: p.Asn21Thr; replaces asparagine 21 with threonine.
Molecular consequence: missense variant.
Genome position (GRCh38, 1-based): chr6:123,571,093, T>G on the plus strand (A>C on the coding strand, the complement: TRDN is on the minus strand). VCF-style: chr6-123571093-T-G. GRCh37 (hg19) VCF-style: chr6-123892238-T-G.
Other names: c.62A>C, p.Asn21Thr (NM_001251987.2, NM_001256020.2, NM_001256021.2 and 2 more transcripts); short protein forms N21T.
Identifiers: ClinVar variation 2113130 (VCV002113130.4), dbSNP rs1311784170, ClinGen allele CA365569362.